The following is an entry in ClinVar:

ClinVar aggregate classification (germline): Likely benign (0 of 4 stars; one submission).

Conditions:
NCAPH-related disorder. Also called: NCAPH-related condition.

Allele frequency attached by ClinVar (database versions not stated): 1000 Genomes Project 0.00020; 1000 Genomes Project 30x 0.00031; TOPMed 0.00141; gnomAD 0.00150; ESP Exome Variant Server 0.00177.
gnomAD v4.1: 4,246 of 1,609,008 alleles (0.26%); highest among the groups gnomAD compares: Non-Finnish European, 0.35%; 11 homozygotes.

Submission:

PreventionGenetics, part of Exact Sciences
Classification: Likely benign for NCAPH-related condition. Last evaluated: 2019-05-16. Review status: no assertion criteria provided. Collection method: clinical testing. Allele origin: germline.
Comment: This variant is classified as likely benign based on ACMG/AMP sequence variant interpretation guidelines (Richards et al. 2015 PMID: 25741868, with internal and published modifications).

NM_015341.5(NCAPH):c.596-4T>G

Gene: NCAPH (non-SMC condensin I complex subunit H; plus strand). Cytogenetic location: 2q11.2.
Variant type: single nucleotide variant.
Coding change: c.596-4T>G on transcript NM_015341.5 (MANE Select); 4 bases into the intron before coding-DNA position 596, T replaced by G.
Molecular consequence: intron variant.
Genome position (GRCh38, 1-based): chr2:96,344,101, T>G. VCF-style: chr2-96344101-T-G. GRCh37 (hg19) VCF-style: chr2-97009839-T-G.
Other names: c.563-4T>G (NM_001281710.2); c.524-4T>G (NM_001281711.2); c.188-4T>G (NM_001281712.2).
Identifiers: ClinVar variation 3041518 (VCV003041518.2), dbSNP rs200434351, ClinGen allele CA1779869.